The following is an entry in ClinVar:

NM_021224.6(ZNF462):c.5156G>A (p.Arg1719His)

Gene: ZNF462 (zinc finger protein 462; plus strand). Cytogenetic location: 9q31.2.
Variant type: single nucleotide variant.
Coding change: c.5156G>A on transcript NM_021224.6 (MANE Select); coding-DNA position 5156, G replaced by A.
Protein change: p.Arg1719His; replaces arginine 1719 with histidine.
Molecular consequence: missense variant. On other transcripts: intron variant (1).
Genome position (GRCh38, 1-based): chr9:106,929,068, G>A. VCF-style: chr9-106929068-G-A. GRCh37 (hg19) VCF-style: chr9-109691349-G-A.
Other names: c.3253-1457G>A (NM_001347997.2); short protein forms R1719H.
Identifiers: ClinVar variation 2663413 (VCV002663413.1), dbSNP rs2538808400, ClinGen allele CA374413910.

ClinVar aggregate classification (germline): Uncertain significance (1 of 4 stars; one submission).

Allele frequency attached by ClinVar (database versions not stated): gnomAD exomes below 0.00001.
gnomAD v4.1: 2 of 1,614,074 alleles (0.00012%); highest among the groups gnomAD compares: Non-Finnish European, 0.00017%; no homozygotes.

Submission:

GeneDx
Classification: Uncertain significance. Last evaluated: 2023-04-25. Review status: criteria provided, single submitter. Criteria: GeneDx Variant Classification Process June 2021. Collection method: clinical testing. Allele origin: germline. Affected: yes.
Comment: Not observed at significant frequency in large population cohorts (gnomAD); In silico analysis supports that this missense variant does not alter protein structure/function; Has not been previously published as pathogenic or benign to our knowledge